The following is an entry in ClinVar:

NM_015001.3(SPEN):c.7078A>G (p.Asn2360Asp)

Gene: SPEN (spen family transcriptional repressor; plus strand). Cytogenetic location: 1p36.13.
Variant type: single nucleotide variant.
Coding change: c.7078A>G on transcript NM_015001.3 (MANE Select); coding-DNA position 7078, A replaced by G.
Protein change: p.Asn2360Asp; replaces asparagine 2360 with aspartic acid.
Molecular consequence: missense variant.
Genome position (GRCh38, 1-based): chr1:15,933,318, A>G. VCF-style: chr1-15933318-A-G. GRCh37 (hg19) VCF-style: chr1-16259813-A-G.
Other names: short protein forms N2360D.
Identifiers: ClinVar variation 1268492 (VCV001268492.6), dbSNP rs848210, ClinGen allele CA620037.

ClinVar aggregate classification (germline): Benign. Review status: criteria provided, multiple submitters, no conflicts (2 of 4 stars). 4 submissions from 4 submitters: Benign (3). 1 of the submissions does not count toward it. Last evaluated 2021-07-15.

Conditions:
SPEN-related disorder. Also called: SPEN-related condition.
Radio-Tartaglia syndrome. Identifiers: Orphanet 662234, MedGen C5543339, MONDO:0859143, OMIM 619312.

Allele frequency attached by ClinVar (database versions not stated): 1000 Genomes Project 0.64896; 1000 Genomes Project 30x 0.66255; gnomAD 0.67847 and 0.68737; ESP Exome Variant Server 0.68960; TOPMed 0.69406.
gnomAD v4.1: 958,261 of 1,613,788 alleles (59%); highest among the groups gnomAD compares: African/African-American, 92%; 291,619 homozygotes.

Submissions (4):

Genome-Nilou Lab
Classification: Benign for Radio-Tartaglia syndrome. Last evaluated: 2021-07-15. Review status: criteria provided, single submitter. Criteria: ACMG Guidelines, 2015. Collection method: clinical testing. Allele origin: germline. Affected: no.

GeneDx
Classification: Benign. Last evaluated: 2018-10-08. Review status: criteria provided, single submitter. Criteria: GeneDx Variant Classification Process June 2021. Collection method: clinical testing. Allele origin: germline. Affected: yes.
Comment: This variant is associated with the following publications: (PMID: 28296976)

Breakthrough Genomics
Classification: Benign. Review status: criteria provided, single submitter. Criteria: ACMG Guidelines, 2015. Collection method: not provided. Allele origin: germline. Inheritance: Autosomal dominant inheritance. Affected: yes.

PreventionGenetics, part of Exact Sciences
Classification: Benign for SPEN-related condition. Last evaluated: 2020-10-16. Review status: no assertion criteria provided. Collection method: clinical testing. Allele origin: germline. Not counted in ClinVar's aggregate classification.
Comment: This variant is classified as benign based on ACMG/AMP sequence variant interpretation guidelines (Richards et al. 2015 PMID: 25741868, with internal and published modifications).